The following is an entry in ClinVar:

ClinVar aggregate classification (germline): Pathogenic. Review status: criteria provided, multiple submitters, no conflicts (2 of 4 stars). 2 submissions from 2 submitters: Pathogenic (2). Last evaluated 2023-09-18.

Conditions:
Lynch syndrome 4 (LYNCH4). Also called: Colorectal cancer, hereditary nonpolyposis, type 4; Hereditary non-polyposis colorectal cancer, type 4. Identifiers: Orphanet 144, MedGen C1838333, MONDO:0013699, OMIM 614337. Disease mechanism: loss of function.
Hereditary nonpolyposis colorectal neoplasms. Identifiers: MedGen C0009405, MeSH D003123.

Submissions (2):

Myriad Genetics, Inc.
Classification: Pathogenic for Lynch syndrome 4. Last evaluated: 2023-09-18. Review status: criteria provided, single submitter. Criteria: Myriad Autosomal Dominant, Autosomal Recessive and X-Linked Classification Criteria (2023). Collection method: clinical testing. Allele origin: unknown.
Comment: This variant is considered pathogenic. This variant creates a frameshift predicted to result in premature protein truncation.

Labcorp Genetics (formerly Invitae), Labcorp
Classification: Pathogenic for Hereditary nonpolyposis colorectal neoplasms. Last evaluated: 2020-04-14. Review status: criteria provided, single submitter. Criteria: Invitae Variant Classification Sherloc (09022015). Collection method: clinical testing. Allele origin: germline.
Comment: This variant has not been reported in the literature in individuals with PMS2-related conditions. Loss-of-function variants in PMS2 are known to be pathogenic (PMID: 21376568, 24362816). For these reasons, this variant has been classified as Pathogenic. This variant is not present in population databases (ExAC no frequency). This sequence change creates a premature translational stop signal (p.Ile15Serfs*19) in the PMS2 gene. It is expected to result in an absent or disrupted protein product.

Literature cited by the submitters: PubMed 21376568 (cited by Labcorp Genetics (formerly Invitae), Labcorp); PubMed 24362816 (cited by Labcorp Genetics (formerly Invitae), Labcorp).

NM_000535.7(PMS2):c.42del (p.Ile15fs)

Gene: PMS2 (PMS1 homolog 2, mismatch repair system component; minus strand). Cytogenetic location: 7p22.1.
Variant type: Deletion.
Coding change: c.42del on transcript NM_000535.7 (MANE Select); coding-DNA position 42, one base deleted (C; older notation c.42delC).
Protein change: p.Ile15fs; shifts the reading frame from isoleucine 15.
Molecular consequence: frameshift variant. On other transcripts: 5 prime UTR variant (8), non-coding transcript variant (1), intron variant (3).
Genome position (GRCh38, 1-based): chr7:6,006,013, G deleted on the plus strand (C on the coding strand, the reverse complement: PMS2 is on the minus strand); the first of 2 consecutive G bases (chr7:6,006,013-6,006,014); deleting either gives the same sequence. VCF-style (leftmost placement, unchanged base first): chr7-6006012-TG-T. GRCh37 (hg19) VCF-style: chr7-6045643-TG-T.
Other names: c.-364del (NM_001322003.2, NM_001322005.2, NM_001322009.2 and 1 more transcripts); c.42del, p.Ile15fs (NM_001322006.2, NM_001322014.2); c.-174del (NM_001322007.2); c.-843del (NM_001322011.2, NM_001322012.2); c.-443del (NM_001322015.2); c.-52-1955del (NM_001322008.2); c.-242-1955del (NM_001322010.2, NM_001322004.2); short protein forms I15fs.
Identifiers: ClinVar variation 1069911 (VCV001069911.9), dbSNP rs2128846824, ClinGen allele CA2499218992.